The following is an entry in ClinVar:

ClinVar aggregate classification (germline): Benign. Review status: criteria provided, multiple submitters, no conflicts (2 of 4 stars). 4 submissions from 3 submitters: Benign (4). Last evaluated 2021-07-01.

Conditions:
Usher syndrome type 1D (USH1D). Also called: USHER SYNDROME, TYPE ID. Identifiers: Orphanet 231169, Orphanet 886, MedGen C1832845, MONDO:0010984, OMIM 601067.
Autosomal recessive nonsyndromic hearing loss 12. Also called: DEAFNESS, AUTOSOMAL RECESSIVE 12. Identifiers: Orphanet 90636, MedGen C1832394, MONDO:0011067, OMIM 601386.

Allele frequency attached by ClinVar (database versions not stated): 1000 Genomes Project 30x 0.68473; 1000 Genomes Project 0.68830; TOPMed 0.72166; gnomAD 0.72939 and 0.72986; gnomAD exomes 0.75952.
gnomAD v4.1: 969,255 of 1,282,534 alleles (76%); highest among the groups gnomAD compares: Non-Finnish European, 77%; 368,283 homozygotes.

Submissions (4):

Genome-Nilou Lab
Classification: Benign for Usher syndrome type 1D. Last evaluated: 2021-07-01. Review status: criteria provided, single submitter. Criteria: ACMG Guidelines, 2015. Collection method: clinical testing. Allele origin: germline. Affected: no.

Genome-Nilou Lab
Classification: Benign for Autosomal recessive nonsyndromic hearing loss 12. Last evaluated: 2021-07-01. Review status: criteria provided, single submitter. Criteria: ACMG Guidelines, 2015. Collection method: clinical testing. Allele origin: germline. Affected: no.

GeneDx
Classification: Benign. Last evaluated: 2018-06-13. Review status: criteria provided, single submitter. Criteria: GeneDx Variant Classification (06012015). Collection method: clinical testing. Allele origin: germline. Affected: yes.
Comment: This variant is considered likely benign or benign based on one or more of the following criteria: it is a conservative change, it occurs at a poorly conserved position in the protein, it is predicted to be benign by multiple in silico algorithms, and/or has population frequency not consistent with disease.

Breakthrough Genomics
Classification: Benign. Review status: criteria provided, single submitter. Criteria: ACMG Guidelines, 2015. Collection method: not provided. Allele origin: germline. Inheritance: Autosomal recessive inheritance. Affected: yes.

NM_022124.6(CDH23):c.4618-77C>T

Gene: CDH23 (cadherin related 23; plus strand). Cytogenetic location: 10q22.1.
Variant type: single nucleotide variant.
Coding change: c.4618-77C>T on transcript NM_022124.6 (MANE Select); 77 bases into the intron before coding-DNA position 4618, C replaced by T.
Molecular consequence: intron variant.
Genome position (GRCh38, 1-based): chr10:71,741,617, C>T. VCF-style: chr10-71741617-C-T. GRCh37 (hg19) VCF-style: chr10-73501374-C-T.
Identifiers: ClinVar variation 678784 (VCV000678784.5), dbSNP rs1227052, ClinGen allele CA13336259.